The following is an entry in ClinVar:

ClinVar aggregate classification (germline): Uncertain significance (1 of 4 stars; one submission).

Conditions:
Neurofibromatosis, type 1 (NF1). Also called: Peripheral type neurofibromatosis; NEUROFIBROMATOSIS, TYPE I, SOMATIC; VON RECKLINGHAUSEN DISEASE; Neurofibromatosis, type I. Identifiers: Orphanet 636, MedGen C0027831, MONDO:0018975, OMIM 162200. Disease mechanism: loss of function.

Submission:

Labcorp Genetics (formerly Invitae), Labcorp
Classification: Uncertain significance for Neurofibromatosis, type 1. Last evaluated: 2023-08-01. Review status: criteria provided, single submitter. Criteria: Invitae Variant Classification Sherloc (09022015). Collection method: clinical testing. Allele origin: germline.
Comment: In summary, the available evidence is currently insufficient to determine the role of this variant in disease. Therefore, it has been classified as a Variant of Uncertain Significance. Advanced modeling of protein sequence and biophysical properties (such as structural, functional, and spatial information, amino acid conservation, physicochemical variation, residue mobility, and thermodynamic stability) has been performed at Invitae for this missense variant, however the output from this modeling did not meet the statistical confidence thresholds required to predict the impact of this variant on NF1 protein function. This variant has not been reported in the literature in individuals affected with NF1-related conditions. This variant is not present in population databases (gnomAD no frequency). This sequence change replaces aspartic acid, which is acidic and polar, with histidine, which is basic and polar, at codon 1535 of the NF1 protein (p.Asp1535His).

NM_001042492.3(NF1):c.4666G>C (p.Asp1556His)

Gene: NF1 (neurofibromin 1; plus strand). Cytogenetic location: 17q11.2.
Variant type: single nucleotide variant.
Coding change: c.4666G>C on transcript NM_001042492.3 (MANE Select); coding-DNA position 4666, G replaced by C.
Protein change: p.Asp1556His; replaces aspartic acid 1556 with histidine.
Molecular consequence: missense variant.
Genome position (GRCh38, 1-based): chr17:31,261,799, G>C. VCF-style: chr17-31261799-G-C. GRCh37 (hg19) VCF-style: chr17-29588817-G-C.
Other names: c.4603G>C, p.Asp1535His (NM_000267.4); short protein forms D1535H, D1556H.
Identifiers: ClinVar variation 2748957 (VCV002748957.3), dbSNP rs2151466394, ClinGen allele CA399000427.